The following is an entry in ClinVar:

ClinVar aggregate classification (germline): Benign/Likely benign. Review status: criteria provided, multiple submitters, no conflicts (2 of 4 stars). 4 submissions from 4 submitters: Benign (2); Likely benign (1). 1 of the submissions does not count toward it. Last evaluated 2026-02-03.

Conditions:
LRRC56-related disorder. Also called: LRRC56-related condition.

Allele frequency attached by ClinVar (database versions not stated): gnomAD 0.00344 and 0.00473; ESP Exome Variant Server 0.00354; TOPMed 0.00413; gnomAD exomes 0.00649 and 0.00931; 1000 Genomes Project 30x 0.00781; 1000 Genomes Project 0.00799; ExAC 0.00990.

Submissions (4):

Labcorp Genetics (formerly Invitae), Labcorp
Classification: Benign. Last evaluated: 2026-02-03. Review status: criteria provided, single submitter. Criteria: Invitae Variant Classification Sherloc (09022015). Collection method: clinical testing. Allele origin: germline.

Blueprint Genetics
Classification: Likely benign. Last evaluated: 2024-11-27. Review status: criteria provided, single submitter. Criteria: ACMG Guidelines, 2015. Collection method: clinical testing. Allele origin: germline.

Breakthrough Genomics
Classification: Benign. Review status: criteria provided, single submitter. Criteria: ACMG Guidelines, 2015. Collection method: not provided. Allele origin: germline. Inheritance: Autosomal recessive inheritance. Affected: yes.

PreventionGenetics, part of Exact Sciences
Classification: Likely benign for LRRC56-related condition. Last evaluated: 2019-03-20. Review status: no assertion criteria provided. Collection method: clinical testing. Allele origin: germline. Not counted in ClinVar's aggregate classification.
Comment: This variant is classified as likely benign based on ACMG/AMP sequence variant interpretation guidelines (Richards et al. 2015 PMID: 25741868, with internal and published modifications).

NM_198075.4(LRRC56):c.371C>T (p.Ala124Val)

Gene: LRRC56 (leucine rich repeat containing 56; plus strand). Cytogenetic location: 11p15.5.
Variant type: single nucleotide variant.
Coding change: c.371C>T on transcript NM_198075.4 (MANE Select); coding-DNA position 371, C replaced by T.
Protein change: p.Ala124Val; replaces alanine 124 with valine.
Molecular consequence: missense variant.
Genome position (GRCh38, 1-based): chr11:549,946, C>T. VCF-style: chr11-549946-C-T. GRCh37 (hg19) VCF-style: chr11-549946-C-T.
Other names: c.371C>T (NM_198075.3); short protein forms A124V.
Identifiers: ClinVar variation 1599929 (VCV001599929.12), dbSNP rs61747447, ClinGen allele CA5779674.